The following is an entry in ClinVar:

ClinVar aggregate classification (germline): Uncertain significance (1 of 4 stars; one submission).

Submission:

Ambry Genetics
Classification: Uncertain significance. Last evaluated: 2021-08-15. Review status: criteria provided, single submitter. Criteria: Ambry Variant Classification Scheme 2023. Collection method: clinical testing. Allele origin: germline.
Comment: The p.R734M variant (also known as c.2201G>T), located in coding exon 4 of the ALPK2 gene, results from a G to T substitution at nucleotide position 2201. The arginine at codon 734 is replaced by methionine, an amino acid with similar properties. This amino acid position is conserved. In addition, this alteration is predicted to be tolerated by in silico analysis. Since supporting evidence is limited at this time, the clinical significance of this alteration remains unclear.

NM_052947.4(ALPK2):c.2201G>T (p.Arg734Met)

Gene: ALPK2 (alpha kinase 2; minus strand). Cytogenetic location: 18q21.31.
Variant type: single nucleotide variant.
Coding change: c.2201G>T on transcript NM_052947.4 (MANE Select); coding-DNA position 2201, G replaced by T.
Protein change: p.Arg734Met; replaces arginine 734 with methionine.
Molecular consequence: missense variant.
Genome position (GRCh38, 1-based): chr18:58,537,986, C>A on the plus strand (G>T on the coding strand, the complement: ALPK2 is on the minus strand). VCF-style: chr18-58537986-C-A. GRCh37 (hg19) VCF-style: chr18-56205218-C-A.
Other names: short protein forms R734M.
Identifiers: ClinVar variation 1787641 (VCV001787641.2), dbSNP rs2518877996, ClinGen allele CA402571281.